The following is an entry in ClinVar:

NM_002109.6(HARS1):c.1136G>A (p.Cys379Tyr)

Gene: HARS1 (histidyl-tRNA synthetase 1; minus strand). Cytogenetic location: 5q31.3.
Variant type: single nucleotide variant.
Coding change: c.1136G>A on transcript NM_002109.6 (MANE Select); coding-DNA position 1136, G replaced by A.
Protein change: p.Cys379Tyr; replaces cysteine 379 with tyrosine.
Molecular consequence: missense variant.
Genome position (GRCh38, 1-based): chr5:140,676,712, C>T on the plus strand (G>A on the coding strand, the complement: HARS1 is on the minus strand). VCF-style: chr5-140676712-C-T. GRCh37 (hg19) VCF-style: chr5-140056297-C-T.
Other names: c.1016G>A, p.Cys339Tyr (NM_001258040.3); c.1076G>A, p.Cys359Tyr (NM_001258041.3); c.956G>A, p.Cys319Tyr (NM_001258042.3); c.914G>A, p.Cys305Tyr (NM_001289092.2); c.794G>A, p.Cys265Tyr (NM_001289093.2); c.1049G>A, p.Cys350Tyr (NM_001289094.2); short protein forms C265Y, C305Y, C319Y, C339Y, C350Y, C359Y, C379Y.
Identifiers: ClinVar variation 1680302 (VCV001680302.10), dbSNP rs1758384765, ClinGen allele CA361250896.

ClinVar aggregate classification (germline): Uncertain significance. Review status: criteria provided, multiple submitters, no conflicts (2 of 4 stars). 2 submissions from 2 submitters: Uncertain significance (2). Last evaluated 2022-09-28.

Conditions:
Usher syndrome type 3B. Also called: USHER SYNDROME, TYPE IIIB. Identifiers: MedGen C3281066, MONDO:0013788, OMIM 614504.

Submissions (2):

Revvity Omics, Revvity
Classification: Uncertain significance. Last evaluated: 2022-09-28. Review status: criteria provided, single submitter. Criteria: ACMG Guidelines, 2015. Collection method: clinical testing. Allele origin: germline.

Labcorp Genetics (formerly Invitae), Labcorp
Classification: Uncertain significance for Usher syndrome type 3B. Last evaluated: 2021-04-10. Review status: criteria provided, single submitter. Criteria: Invitae Variant Classification Sherloc (09022015). Collection method: clinical testing. Allele origin: germline.
Comment: In summary, the available evidence is currently insufficient to determine the role of this variant in disease. Therefore, it has been classified as a Variant of Uncertain Significance. Algorithms developed to predict the effect of missense changes on protein structure and function are either unavailable or do not agree on the potential impact of this missense change (SIFT: "Deleterious"; PolyPhen-2: "Probably Damaging"; Align-GVGD: "Class C0"). This variant has not been reported in the literature in individuals with HARS-related conditions. This variant is not present in population databases (ExAC no frequency). This sequence change replaces cysteine with tyrosine at codon 379 of the HARS protein (p.Cys379Tyr). The cysteine residue is highly conserved and there is a large physicochemical difference between cysteine and tyrosine.